The following is an entry in ClinVar:

ClinVar aggregate classification (germline): Uncertain significance (1 of 4 stars; one submission).

Conditions:
Neurofibromatosis, type 1 (NF1). Also called: Peripheral type neurofibromatosis; VON RECKLINGHAUSEN DISEASE; Neurofibromatosis, type I; NEUROFIBROMATOSIS, TYPE I, SOMATIC. Identifiers: Orphanet 636, MedGen C0027831, MONDO:0018975, OMIM 162200. Disease mechanism: loss of function.

Submission:

Labcorp Genetics (formerly Invitae), Labcorp
Classification: Uncertain significance for Neurofibromatosis, type 1. Last evaluated: 2023-11-05. Review status: criteria provided, single submitter. Criteria: Invitae Variant Classification Sherloc (09022015). Collection method: clinical testing. Allele origin: germline.
Comment: This sequence change replaces aspartic acid, which is acidic and polar, with valine, which is neutral and non-polar, at codon 430 of the NF1 protein (p.Asp430Val). This variant is not present in population databases (gnomAD no frequency). This variant has not been reported in the literature in individuals affected with NF1-related conditions. Advanced modeling of protein sequence and biophysical properties (such as structural, functional, and spatial information, amino acid conservation, physicochemical variation, residue mobility, and thermodynamic stability) performed at Invitae indicates that this missense variant is expected to disrupt NF1 protein function with a positive predictive value of 95%. In summary, the available evidence is currently insufficient to determine the role of this variant in disease. Therefore, it has been classified as a Variant of Uncertain Significance.

NM_001042492.3(NF1):c.1289A>T (p.Asp430Val)

Gene: NF1 (neurofibromin 1; plus strand). Cytogenetic location: 17q11.2.
Variant type: single nucleotide variant.
Coding change: c.1289A>T on transcript NM_001042492.3 (MANE Select); coding-DNA position 1289, A replaced by T.
Protein change: p.Asp430Val; replaces aspartic acid 430 with valine.
Molecular consequence: missense variant.
Genome position (GRCh38, 1-based): chr17:31,206,268, A>T. VCF-style: chr17-31206268-A-T. GRCh37 (hg19) VCF-style: chr17-29533286-A-T.
Other names: c.1289A>T, p.Asp430Val (NM_000267.4, NM_001128147.3); short protein forms D430V.
Identifiers: ClinVar variation 2693377 (VCV002693377.3), dbSNP rs2143913902, ClinGen allele CA398999212.
Genomic context (GRCh38, chr17:31,206,268, plus strand): 5'-TTTTCTTCCTATTGGTCTTTGTTTTTCTCTAGTCCGCATTGGATTGGTGGCCTAAGATTG[A>T]TGCTGTGTATTGTCACTCGGTTGAACTTCGAAATATGTTTGGTGAAACACTTCATAAAGC-3'
Protein context (NP_001035957.1, residues 420-440): NSALDWWPKI[Asp430Val]AVYCHSVELR